The following is an entry in ClinVar:

NM_000293.3(PHKB):c.2766-8T>C

Gene: PHKB (phosphorylase kinase regulatory subunit beta; plus strand). Cytogenetic location: 16q12.1.
Variant type: single nucleotide variant.
Coding change: c.2766-8T>C on transcript NM_000293.3 (MANE Select); 8 bases into the intron before coding-DNA position 2766, T replaced by C.
Molecular consequence: intron variant.
Genome position (GRCh38, 1-based): chr16:47,693,370, T>C. VCF-style: chr16-47693370-T-C. GRCh37 (hg19) VCF-style: chr16-47727281-T-C.
Other names: c.2766-8T>C (NM_001363837.1); c.2745-8T>C (NM_001031835.3).
Identifiers: ClinVar variation 461821 (VCV000461821.12), dbSNP rs186710481, ClinGen allele CA8041330.

ClinVar aggregate classification (germline): Benign/Likely benign. Review status: criteria provided, multiple submitters, no conflicts (2 of 4 stars). 2 submissions from 2 submitters: Benign (1); Likely benign (1). Last evaluated 2026-01-14.

Conditions:
Glycogen storage disease IXb (GSD9B). Also called: GLYCOGENOSIS OF LIVER AND MUSCLE, AUTOSOMAL RECESSIVE; GSD IXb; PHOSPHORYLASE KINASE DEFICIENCY OF LIVER AND MUSCLE, AUTOSOMAL RECESSIVE. Identifiers: Orphanet 79240, MedGen C0543514, MONDO:0009868, OMIM 261750.

Allele frequency attached by ClinVar (database versions not stated): gnomAD exomes 0.00011 and 0.00043; gnomAD 0.00016 and 0.00018; TOPMed 0.00029; ExAC 0.00044; 1000 Genomes Project 30x 0.00094; 1000 Genomes Project 0.00100.
gnomAD v4.1: 183 of 1,614,014 alleles (0.011%); highest among the groups gnomAD compares: East Asian, 0.38%; 1 homozygote.

Submissions (2):

Labcorp Genetics (formerly Invitae), Labcorp
Classification: Benign for Glycogen storage disease IXb. Last evaluated: 2026-01-14. Review status: criteria provided, single submitter. Criteria: Invitae Variant Classification Sherloc (09022015). Collection method: clinical testing. Allele origin: germline.

Illumina Laboratory Services, Illumina
Classification: Likely benign for Glycogen storage disease IXb. Last evaluated: 2018-01-12. Review status: criteria provided, single submitter. Criteria: ICSL Variant Classification Criteria 13 December 2019. Collection method: clinical testing. Allele origin: germline.
Comment: This variant was observed in the ICSL laboratory as part of a predisposition screen in an ostensibly healthy population. It had not been previously curated by ICSL or reported in the Human Gene Mutation Database (HGMD: prior to June 1st, 2018), and was therefore a candidate for classification through an automated scoring system. Utilizing variant allele frequency, disease prevalence and penetrance estimates, and inheritance mode, an automated score was calculated to assess if this variant is too frequent to cause the disease. Based on the score and internal cut-off values, a variant classified as likely benign is not then subjected to further curation. The score for this variant resulted in a classification of likely benign for this disease.